The following is an entry in ClinVar:

ClinVar aggregate classification (germline): Uncertain significance (1 of 4 stars; one submission).

Conditions:
Ehlers-Danlos syndrome, classic type, 1 (EDSCL1). Also called: EHLERS-DANLOS SYNDROME, GRAVIS TYPE; EHLERS-DANLOS SYNDROME, SEVERE CLASSIC TYPE; Ehlers-Danlos syndrome, type 1; Ehlers-Danlos Syndrome, Classic Type, COL5A1-Related; EDS I. Identifiers: MedGen C0268335, MONDO:0019567, OMIM 130000.

Submission:

Labcorp Genetics (formerly Invitae), Labcorp
Classification: Uncertain significance for Ehlers-Danlos syndrome, classic type, 1. Last evaluated: 2025-02-07. Review status: criteria provided, single submitter. Criteria: Invitae Variant Classification Sherloc (09022015). Collection method: clinical testing. Allele origin: germline.
Comment: This sequence change replaces glycine, which is neutral and non-polar, with arginine, which is basic and polar, at codon 619 of the COL5A1 protein (p.Gly619Arg). This variant is not present in population databases (gnomAD no frequency). This variant has not been reported in the literature in individuals affected with COL5A1-related conditions. Invitae Evidence Modeling of protein sequence and biophysical properties (such as structural, functional, and spatial information, amino acid conservation, physicochemical variation, residue mobility, and thermodynamic stability) indicates that this missense variant is expected to disrupt COL5A1 protein function with a positive predictive value of 80%. This variant disrupts the triple helix domain of COL5A1. Glycine residues within the Gly-Xaa-Yaa repeats of the triple helix domain are required for the structure and stability of fibrillar collagens (PMID: 7695699, 8218237, 19344236), and variants at these glycine residues in COL5A1 are more frequently observed in individuals with disease than in the general population (PMID: 22696272, 23587214). However, the clinical significance of this observation remains uncertain since only a limited number of affected individuals have been described to date. In summary, the available evidence is currently insufficient to determine the role of this variant in disease. Therefore, it has been classified as a Variant of Uncertain Significance.

Literature cited by the submitters: PubMed 7695699; PubMed 8218237; PubMed 19344236; PubMed 22696272; PubMed 23587214.

NM_000093.5(COL5A1):c.1855G>A (p.Gly619Arg)

Gene: COL5A1 (collagen type V alpha 1 chain; plus strand). Cytogenetic location: 9q34.3.
Variant type: single nucleotide variant.
Coding change: c.1855G>A on transcript NM_000093.5 (MANE Select); coding-DNA position 1855, G replaced by A.
Protein change: p.Gly619Arg; replaces glycine 619 with arginine.
Molecular consequence: missense variant.
Genome position (GRCh38, 1-based): chr9:134,756,792, G>A. VCF-style: chr9-134756792-G-A. GRCh37 (hg19) VCF-style: chr9-137648638-G-A.
Other names: c.1855G>A, p.Gly619Arg (NM_001278074.1); short protein forms G619R.
Identifiers: ClinVar variation 4746097 (VCV004746097.1).